The following is an entry in ClinVar:

ClinVar aggregate classification (germline): Uncertain significance. Review status: criteria provided, multiple submitters, no conflicts (2 of 4 stars). 2 submissions from 2 submitters: Uncertain significance (2). Last evaluated 2025-03-31.

Conditions:
Inborn genetic diseases. Identifiers: MedGen C0950123, MeSH D030342.

Allele frequency attached by ClinVar (database versions not stated): gnomAD exomes 0.00001 and below 0.00001; ExAC 0.00001.
gnomAD v4.1: 7 of 1,610,784 alleles (0.00043%); highest among the groups gnomAD compares: South Asian, 0.0077%; no homozygotes.

Submissions (2):

Ambry Genetics
Classification: Uncertain significance for Inborn genetic diseases. Last evaluated: 2025-03-31. Review status: criteria provided, single submitter. Criteria: Ambry Variant Classification Scheme 2023. Collection method: clinical testing. Allele origin: germline.
Comment: The p.N113I variant (also known as c.338A>T), located in coding exon 3 of the ELANE gene, results from an A to T substitution at nucleotide position 338. The asparagine at codon 113 is replaced by isoleucine, an amino acid with dissimilar properties. This amino acid position is conserved. In addition, this alteration is predicted to be tolerated by in silico analysis. Based on the available evidence, the clinical significance of this variant remains unclear.

Genetic Services Laboratory, University of Chicago
Classification: Uncertain significance. Last evaluated: 2016-05-03. Review status: criteria provided, single submitter. Criteria: ACMG Guidelines, 2015. Collection method: clinical testing. Allele origin: germline. Affected: no.

NM_001972.4(ELANE):c.338A>T (p.Asn113Ile)

Gene: ELANE (elastase, neutrophil expressed; plus strand). Cytogenetic location: 19p13.3.
Variant type: single nucleotide variant.
Coding change: c.338A>T on transcript NM_001972.4 (MANE Select); coding-DNA position 338, A replaced by T.
Protein change: p.Asn113Ile; replaces asparagine 113 with isoleucine.
Molecular consequence: missense variant.
Genome position (GRCh38, 1-based): chr19:853,375, A>T. VCF-style: chr19-853375-A-T. GRCh37 (hg19) VCF-style: chr19-853375-A-T.
Other names: c.338A>T (LRG_57t1); short protein forms N113I.
Identifiers: ClinVar variation 435056 (VCV000435056.7), dbSNP rs773808780, ClinGen allele CA9026003.